The following is an entry in ClinVar:

ClinVar aggregate classification (germline): Conflicting classifications of pathogenicity. Review status: criteria provided, conflicting classifications (1 of 4 stars). 4 submissions from 4 submitters: Uncertain significance (2); Likely benign (2). Last evaluated 2026-01-25.

Conditions:
Inborn genetic diseases. Identifiers: MedGen C0950123, MeSH D030342.
Sulfite oxidase deficiency. Also called: Isolated sulfite oxidase deficiency. Identifiers: Orphanet 833, Orphanet 99731, MedGen C0268624, MONDO:0010089, OMIM 272300, HP:0003643.

Allele frequency attached by ClinVar (database versions not stated): gnomAD 0.00017; TOPMed 0.00026; ExAC 0.00037; ESP Exome Variant Server 0.00038; gnomAD exomes 0.00043.

Submissions (4):

Labcorp Genetics (formerly Invitae), Labcorp
Classification: Likely benign for Sulfite oxidase deficiency. Last evaluated: 2026-01-25. Review status: criteria provided, single submitter. Criteria: Invitae Variant Classification Sherloc (09022015). Collection method: clinical testing. Allele origin: germline.

Blueprint Genetics
Classification: Uncertain significance. Last evaluated: 2024-09-10. Review status: criteria provided, single submitter. Criteria: ACMG Guidelines, 2015. Collection method: clinical testing. Allele origin: germline.

Ambry Genetics
Classification: Likely benign for Inborn genetic diseases. Last evaluated: 2022-05-09. Review status: criteria provided, single submitter. Criteria: Ambry Variant Classification Scheme 2023. Collection method: clinical testing. Allele origin: germline.

Illumina Laboratory Services, Illumina
Classification: Uncertain significance for Sulfite oxidase deficiency. Last evaluated: 2017-04-27. Review status: criteria provided, single submitter. Criteria: ICSL Variant Classification Criteria 13 December 2019. Collection method: clinical testing. Allele origin: germline.
Comment: This variant was observed as part of a predisposition screen in an ostensibly healthy population. A literature search was performed for the gene, cDNA change, and amino acid change (where applicable). Publications were found based on this search. However, the evidence from the literature, in combination with allele frequency data from public databases where available, was not sufficient to rule this variant in or out of causing disease. Therefore, this variant is classified as a variant of unknown significance.

Literature cited by the submitters: PubMed 12001203 (cited by Illumina Laboratory Services, Illumina).

NM_001032386.2(SUOX):c.574C>T (p.Arg192Trp)

Gene: SUOX (sulfite oxidase; plus strand). Cytogenetic location: 12q13.2.
Variant type: single nucleotide variant.
Coding change: c.574C>T on transcript NM_001032386.2 (MANE Select); coding-DNA position 574, C replaced by T.
Protein change: p.Arg192Trp; replaces arginine 192 with tryptophan.
Molecular consequence: missense variant.
Genome position (GRCh38, 1-based): chr12:56,003,963, C>T. VCF-style: chr12-56003963-C-T. GRCh37 (hg19) VCF-style: chr12-56397747-C-T.
Other names: c.574C>T, p.Arg192Trp (NM_000456.3, NM_001032387.2); short protein forms R192W.
Identifiers: ClinVar variation 737018 (VCV000737018.20), dbSNP rs139444405, ClinGen allele CA6621005.
Genomic context (GRCh38, chr12:56,003,963, plus strand): 5'-ACCTCTGACCCTTATGCTGATGATCCTGTACGTCACCCAGCCCTGAAGGTCAACAGCCAG[C>T]GGCCCTTTAATGCAGAGCCTCCCCCTGAGCTGCTGACAGAAAACTACATCACACCCAACC-3'
Protein context (NP_001027558.1, residues 182-202): RHPALKVNSQ[Arg192Trp]PFNAEPPPEL